The following is an entry in ClinVar:

NM_001199397.3(NEK1):c.1728G>A (p.Lys576=)

Gene: NEK1 (NIMA related kinase 1; minus strand). Cytogenetic location: 4q33.
Variant type: single nucleotide variant.
Coding change: c.1728G>A on transcript NM_001199397.3 (MANE Select); coding-DNA position 1728, G replaced by A.
Protein change: p.Lys576=; no amino-acid change (lysine 576 retained).
Molecular consequence: synonymous variant. On other transcripts: intron variant (6).
Genome position (GRCh38, 1-based): chr4:169,508,790, C>T on the plus strand (G>A on the coding strand, the complement: NEK1 is on the minus strand). VCF-style: chr4-169508790-C-T. GRCh37 (hg19) VCF-style: chr4-170429941-C-T.
Other names: c.1728G>A (NM_001199397.1); c.1596G>A, p.Lys532= (NM_001199398.3); c.1728G>A, p.Lys576= (NM_001374418.1); c.1540-459G>A (NM_001374421.1); c.1615-459G>A (NM_001374420.1); c.1459-459G>A (NM_001199399.3); c.1666-459G>A (NM_001374419.1, NM_012224.4); c.1534-459G>A (NM_001199400.3).
Identifiers: ClinVar variation 527125 (VCV000527125.9), dbSNP rs776189543, ClinGen allele CA3137653.

ClinVar aggregate classification (germline): Likely benign. Review status: criteria provided, multiple submitters, no conflicts (2 of 4 stars). 2 submissions from 2 submitters: Likely benign (2). Last evaluated 2026-07-15.

Conditions:
Short-rib thoracic dysplasia 6 with or without polydactyly (SRTD6). Also called: Majewski Syndrome; POLYDACTYLY WITH NEONATAL CHONDRODYSTROPHY, TYPE II; SHORT-RIB THORACIC DYSPLASIA 6 WITH POLYDACTYLY; SHORT-RIB THORACIC DYSPLASIA 6 WITHOUT POLYDACTYLY; SHORT RIB-POLYDACTYLY SYNDROME, TYPE IIA. Identifiers: MedGen C0024507, MONDO:0009894, OMIM 263520.
NEK1-related disorder. Also called: NEK1-related condition.

Allele frequency attached by ClinVar (database versions not stated): gnomAD exomes 0.00002 and 0.00015; gnomAD 0.00003 and 0.00004; TOPMed 0.00008; ExAC 0.00021.
gnomAD v4.1: 33 of 1,587,348 alleles (0.0021%); highest among the groups gnomAD compares: East Asian, 0.069%; no homozygotes.

Submissions (2):

PreventionGenetics, part of Exact Sciences
Classification: Likely benign for NEK1-related condition. Last evaluated: 2026-07-15. Review status: criteria provided, single submitter. Criteria: ACMG Guidelines, 2015. Collection method: clinical testing. Allele origin: germline.
Comment: This variant is classified as likely benign based on ACMG/AMP sequence variant interpretation guidelines (Richards et al. 2015 PMID: 25741868, with internal and published modifications).

Labcorp Genetics (formerly Invitae), Labcorp
Classification: Likely benign for Short-rib thoracic dysplasia 6 with or without polydactyly. Last evaluated: 2022-07-05. Review status: criteria provided, single submitter. Criteria: Invitae Variant Classification Sherloc (09022015). Collection method: clinical testing. Allele origin: germline.